The following is an entry in ClinVar:

ClinVar aggregate classification (germline): Benign/Likely benign. Review status: criteria provided, multiple submitters, no conflicts (2 of 4 stars). 3 submissions from 3 submitters: Benign (1); Likely benign (2). Last evaluated 2024-11-25.

Conditions:
Hereditary cancer-predisposing syndrome. Also called: Neoplastic Syndromes, Hereditary; Tumor predisposition; Hereditary Cancer Syndrome; Hereditary neoplastic syndrome. Identifiers: Orphanet 140162, MedGen C0027672, MeSH D009386, MONDO:0015356.
BAP1-related tumor predisposition syndrome (TPDS1). Also called: Tumor susceptibility linked to germline BAP1 mutations; COMMON Syndrome; TUMOR PREDISPOSITION SYNDROME 1; BAP1 tumor predisposition syndrome. Identifiers: Orphanet 289539, MedGen C3280492, MONDO:0013692, OMIM 614327.

Submissions (3):

Labcorp Genetics (formerly Invitae), Labcorp
Classification: Likely benign for BAP1-related tumor predisposition syndrome. Last evaluated: 2024-11-25. Review status: criteria provided, single submitter. Criteria: Invitae Variant Classification Sherloc (09022015). Collection method: clinical testing. Allele origin: germline.

Myriad Genetics, Inc.
Classification: Benign for BAP1-related tumor predisposition syndrome. Last evaluated: 2024-07-16. Review status: criteria provided, single submitter. Criteria: Myriad Autosomal Dominant, Autosomal Recessive and X-Linked Classification Criteria (2023). Collection method: clinical testing. Allele origin: unknown.
Comment: This variant is considered benign. This variant is a silent/synonymous amino acid change and it is not expected to impact splicing.

Ambry Genetics
Classification: Likely benign for Hereditary cancer-predisposing syndrome. Last evaluated: 2022-09-08. Review status: criteria provided, single submitter. Criteria: Ambry Variant Classification Scheme 2023. Collection method: clinical testing. Allele origin: germline.

NM_004656.4(BAP1):c.1266A>T (p.Gly422=)

Gene: BAP1 (BRCA1 associated deubiquitinase 1; minus strand). Cytogenetic location: 3p21.1.
Variant type: single nucleotide variant.
Coding change: c.1266A>T on transcript NM_004656.4 (MANE Select); coding-DNA position 1266, A replaced by T.
Protein change: p.Gly422=; no amino-acid change (glycine 422 retained).
Molecular consequence: synonymous variant.
Genome position (GRCh38, 1-based): chr3:52,403,879, T>A on the plus strand (A>T on the coding strand, the complement: BAP1 is on the minus strand). VCF-style: chr3-52403879-T-A. GRCh37 (hg19) VCF-style: chr3-52437895-T-A.
Other names: c.1212A>T, p.Gly404= (NM_001410772.1).
Identifiers: ClinVar variation 1764155 (VCV001764155.6), dbSNP rs2471330508, ClinGen allele CA433885861.
Genomic context (GRCh38, chr3:52,403,879, plus strand): 5'-GGGCTGCAGCACTGACAGTTGCCCATCAGCAGAACCGCTCAATGCCCCTGGCTTCCCTGT[T>A]CCCTTCCCCTTATACCTGTGGGGCCCGAGAAGATGTGAAGCAAGGGAACGGGCCAGGTGA-3'
Protein context (NP_004647.1, residues 412-432): TNSALRYKGK[Gly422=]TGKPGALSGS